The following is an entry in ClinVar:

NM_000548.5(TSC2):c.3815-16del

Gene: TSC2 (TSC complex subunit 2; plus strand). Cytogenetic location: 16p13.3.
Variant type: Deletion.
Coding change: c.3815-16del on transcript NM_000548.5 (MANE Select); 16 bases into the intron before coding-DNA position 3815, one base deleted (C; older notation c.3815-16delC).
Molecular consequence: intron variant.
Genome position (GRCh38, 1-based): chr16:2,082,420, C deleted. VCF-style (leftmost placement, unchanged base first): chr16-2082419-AC-A. GRCh37 (hg19) VCF-style: chr16-2132420-AC-A.
Other names: c.3814+622del (NM_001114382.3); c.3686-16del (NM_021055.3, NM_001370405.1); c.3685+622del (NM_001363528.2); c.3683-16del (NM_001370404.1); c.3682+622del (NM_001077183.3); c.3574+622del (NM_001318827.2); c.3083-16del (NM_001318831.2); c.3538+622del (NM_001318829.2); and 1 more.
Identifiers: ClinVar variation 1377092 (VCV001377092.8), dbSNP rs2151492015, ClinGen allele CA2573151549.
Genomic context (GRCh38, chr16:2,082,419, plus strand): 5'-GGGGCCTGTGCTCTCTGCTCGACCTGTGTGTAGCCCCTCCTCCTGCTGACGTGGCCGCAC[AC>A]GGCCTTCCCTTGCAGTGGCCTCTTTCTCCTCCCTGTACCAGTCCAGCTGCCAAGGACAGC-3'

ClinVar aggregate classification (germline): Uncertain significance (1 of 4 stars; one submission).

Conditions:
Tuberous sclerosis 2 (TSC2). Identifiers: Orphanet 805, MedGen C1860707, MONDO:0013199, OMIM 613254.

Submission:

Labcorp Genetics (formerly Invitae), Labcorp
Classification: Uncertain significance for Tuberous sclerosis 2. Last evaluated: 2021-07-14. Review status: criteria provided, single submitter. Criteria: Invitae Variant Classification Sherloc (09022015). Collection method: clinical testing. Allele origin: germline.
Comment: In summary, the available evidence is currently insufficient to determine the role of this variant in disease. Therefore, it has been classified as a Variant of Uncertain Significance. Algorithms developed to predict the effect of sequence changes on RNA splicing suggest that this variant may create or strengthen a splice site, but this prediction has not been confirmed by published transcriptional studies. This variant has not been reported in the literature in individuals with TSC2-related conditions. This variant is not present in population databases (ExAC no frequency). This sequence change falls in intron 31 of the TSC2 gene. It does not directly change the encoded amino acid sequence of the TSC2 protein.